The following is an entry in ClinVar:

ClinVar aggregate classification (germline): Uncertain significance (1 of 4 stars; one submission).

Conditions:
Osteogenesis imperfecta type 6. Also called: Osteogenesis imperfecta, type VI. Identifiers: Orphanet 666, MedGen C3279564, MONDO:0013515, OMIM 613982.

Submission:

Neuberg Centre For Genomic Medicine, NCGM
Classification: Uncertain significance for Osteogenesis imperfecta type 6. Review status: criteria provided, single submitter. Criteria: ACMG Guidelines, 2015. Collection method: clinical testing. Allele origin: germline. Inheritance: Autosomal recessive inheritance. Affected: yes.
Comment: The missense variant c.252T>G (p.Ser84Arg) in SERPINF1 gene has not been reported previously as a pathogenic variant nor as a benign variant, to our knowledge. This variant has not been reported to the ClinVar database. The p.Ser84Arg variant is novel (not in any individuals) in gnomAD Exomes and 1000 Genomes. The amino acid Ser at position 84 is changed to a Arg changing protein sequence and it might alter its composition and physico-chemical properties. For these reasons, this variant has been classified as Uncertain Significance (VUS).

NM_002615.7(SERPINF1):c.252T>G (p.Ser84Arg)

Genes: SERPINF1 (serpin family F member 1; plus strand), LOC130059892 (ATAC-STARR-seq lymphoblastoid active region 11457; plus strand). Cytogenetic location: 17p13.3.
Variant type: single nucleotide variant.
Coding change: c.252T>G on transcript NM_002615.7 (MANE Select); coding-DNA position 252, T replaced by G.
Protein change: p.Ser84Arg; replaces serine 84 with arginine.
Molecular consequence: missense variant. On other transcripts: 5 prime UTR variant (1).
Genome position (GRCh38, 1-based): chr17:1,770,019, T>G. VCF-style: chr17-1770019-T-G. GRCh37 (hg19) VCF-style: chr17-1673313-T-G.
Other names: c.252T>G, p.Ser84Arg (NM_001329903.2); c.-310T>G (NM_001329904.2); short protein forms S84R.
Identifiers: ClinVar variation 2584800 (VCV002584800.1), dbSNP rs1907627993, ClinGen allele CA397584248.